The following is an entry in ClinVar:

NM_001868.4(CPA1):c.1063A>G (p.Lys355Glu)

Gene: CPA1 (carboxypeptidase A1; plus strand). Cytogenetic location: 7q32.2.
Variant type: single nucleotide variant.
Coding change: c.1063A>G on transcript NM_001868.4 (MANE Select); coding-DNA position 1063, A replaced by G.
Protein change: p.Lys355Glu; replaces lysine 355 with glutamic acid.
Molecular consequence: missense variant.
Genome position (GRCh38, 1-based): chr7:130,385,914, A>G. VCF-style: chr7-130385914-A-G. GRCh37 (hg19) VCF-style: chr7-130025755-A-G.
Other names: short protein forms K355E.
Identifiers: ClinVar variation 3269088 (VCV003269088.1).

ClinVar aggregate classification (germline): Uncertain significance (1 of 4 stars; one submission).

Conditions:
Hereditary pancreatitis (PCTT). Also called: Hereditary chronic pancreatitis; PRSS1-Related Hereditary Pancreatitis. Identifiers: Orphanet 676, MedGen C0238339, MONDO:0008185, OMIM 167800.

Submission:

Ambry Genetics
Classification: Uncertain significance for Hereditary pancreatitis. Last evaluated: 2024-04-28. Review status: criteria provided, single submitter. Criteria: Ambry Variant Classification Scheme 2023. Collection method: clinical testing. Allele origin: germline.
Comment: The p.K355E variant (also known as c.1063A>G), located in coding exon 9 of the CPA1 gene, results from an A to G substitution at nucleotide position 1063. The lysine at codon 355 is replaced by glutamic acid, an amino acid with similar properties. This amino acid position is conserved. In addition, this alteration is predicted to be tolerated by in silico analysis. Based on the available evidence, the clinical significance of this variant remains unclear.